The following is an entry in ClinVar:

ClinVar aggregate classification (germline): Likely benign (1 of 4 stars; one submission).

Conditions:
NOTCH2-related disorder. Also called: NOTCH2-related condition.

gnomAD v4.1: 3 of 1,614,070 alleles (0.00019%); highest among the groups gnomAD compares: Admixed American, 0.0033%; no homozygotes.

Submission:

PreventionGenetics, part of Exact Sciences
Classification: Likely benign for NOTCH2-related condition. Last evaluated: 2026-02-26. Review status: criteria provided, single submitter. Criteria: ACMG Guidelines, 2015. Collection method: clinical testing. Allele origin: germline.
Comment: This variant is classified as likely benign based on ACMG/AMP sequence variant interpretation guidelines (Richards et al. 2015 PMID: 25741868, with internal and published modifications).

NM_024408.4(NOTCH2):c.6383G>C (p.Gly2128Ala)

Gene: NOTCH2 (notch receptor 2; minus strand). Cytogenetic location: 1p12.
Variant type: single nucleotide variant.
Coding change: c.6383G>C on transcript NM_024408.4 (MANE Select); coding-DNA position 6383, G replaced by C.
Protein change: p.Gly2128Ala; replaces glycine 2128 with alanine.
Molecular consequence: missense variant.
Genome position (GRCh38, 1-based): chr1:119,916,339, C>G on the plus strand (G>C on the coding strand, the complement: NOTCH2 is on the minus strand). VCF-style: chr1-119916339-C-G. GRCh37 (hg19) VCF-style: chr1-120458962-C-G.
Other names: short protein forms G2128A.
Identifiers: ClinVar variation 4984464 (VCV004984464.1).